The following is an entry in ClinVar:

NM_001291415.2(KDM6A):c.163C>T (p.Arg55Cys)

Genes: KDM6A (lysine demethylase 6A; plus strand), LOC130068183 (ATAC-STARR-seq lymphoblastoid silent region 20785; plus strand). Cytogenetic location: Xp11.3.
Variant type: single nucleotide variant.
Coding change: c.163C>T on transcript NM_001291415.2 (MANE Select); coding-DNA position 163, C replaced by T.
Protein change: p.Arg55Cys; replaces arginine 55 with cysteine.
Molecular consequence: missense variant. On other transcripts: 5 prime UTR variant (1), non-coding transcript variant (1).
Genome position (GRCh38, 1-based): chrX:44,873,925, C>T. VCF-style: chrX-44873925-C-T. GRCh37 (hg19) VCF-style: chrX-44733171-C-T.
Other names: c.163C>T, p.Arg55Cys (NM_001291416.2, NM_001291417.2, NM_001291418.2 and 1 more transcripts); c.-470C>T (NM_001291421.2); short protein forms R55C.
Identifiers: ClinVar variation 1467095 (VCV001467095.8), dbSNP rs1234030940, ClinGen allele CA413020432.
Genomic context (GRCh38, chrX:44,873,925, plus strand): 5'-AGGGACGGGTCGGTGGCGTTCCCTGAGCGTTAACGAGTAAACTGTGTCTGTCTCCACAGC[C>T]GCCTCTTTGGGTTCGTGAGATTTCATGAAGATGGCGCCAGGACGAAGGCCCTACTGGGCA-3'
Protein context (NP_001278344.1, residues 45-65): EREALGGLDS[Arg55Cys]LFGFVRFHED

ClinVar aggregate classification (germline): Uncertain significance (1 of 4 stars; one submission).

Conditions:
Kabuki syndrome 2 (KABUK2). Also called: KDM6A-Related Kabuki Syndrome. Identifiers: Orphanet 2322, MedGen C3275495, MONDO:0010465, OMIM 300867.

Allele frequency attached by ClinVar (database versions not stated): gnomAD exomes below 0.00001; TOPMed 0.00001.

Submission:

Labcorp Genetics (formerly Invitae), Labcorp
Classification: Uncertain significance for Kabuki syndrome 2. Last evaluated: 2025-02-24. Review status: criteria provided, single submitter. Criteria: Invitae Variant Classification Sherloc (09022015). Collection method: clinical testing. Allele origin: germline.
Comment: This sequence change replaces arginine, which is basic and polar, with cysteine, which is neutral and slightly polar, at codon 55 of the KDM6A protein (p.Arg55Cys). This variant is not present in population databases (gnomAD no frequency). This variant has not been reported in the literature in individuals affected with KDM6A-related conditions. ClinVar contains an entry for this variant (Variation ID: 1467095). An algorithm developed to predict the effect of missense changes on protein structure and function (PolyPhen-2) suggests that this variant is likely to be disruptive. In summary, the available evidence is currently insufficient to determine the role of this variant in disease. Therefore, it has been classified as a Variant of Uncertain Significance.